The following is an entry in ClinVar:

ClinVar aggregate classification (germline): Likely benign (1 of 4 stars; one submission).

Conditions:
PTPRU-related disorder. Also called: PTPRU-related condition.

gnomAD v4.1: 11 of 1,613,900 alleles (0.00068%); highest among the groups gnomAD compares: African/African-American, 0.0093%; no homozygotes.

Submission:

PreventionGenetics, part of Exact Sciences
Classification: Likely benign for PTPRU-related condition. Last evaluated: 2025-12-08. Review status: criteria provided, single submitter. Criteria: ACMG Guidelines, 2015. Collection method: clinical testing. Allele origin: germline.
Comment: This variant is classified as likely benign based on ACMG/AMP sequence variant interpretation guidelines (Richards et al. 2015 PMID: 25741868, with internal and published modifications).

NM_133178.4(PTPRU):c.3666C>T (p.Tyr1222=)

Gene: PTPRU (protein tyrosine phosphatase receptor type U; plus strand). Cytogenetic location: 1p35.3.
Variant type: single nucleotide variant.
Coding change: c.3666C>T on transcript NM_133178.4 (MANE Select); coding-DNA position 3666, C replaced by T.
Protein change: p.Tyr1222=; no amino-acid change (tyrosine 1222 retained).
Molecular consequence: synonymous variant.
Genome position (GRCh38, 1-based): chr1:29,317,900, C>T. VCF-style: chr1-29317900-C-T. GRCh37 (hg19) VCF-style: chr1-29644412-C-T.
Other names: c.3657C>T, p.Tyr1219= (NM_001195001.2); c.3696C>T, p.Tyr1232= (NM_005704.5); c.3684C>T, p.Tyr1228= (NM_133177.4).
Identifiers: ClinVar variation 4979455 (VCV004979455.1).
Genomic context (GRCh38, chr1:29,317,900, plus strand): 5'-CCTGCCGCCCGACCGCTGCCTGCCCTTCCTCATCTCCACTGATGGGGACTCCAACAACTA[C>T]ATTAATGCAGCCCTGACTGACGTGAGAGCTTGGGGTGGAGTGGGCTCTGGGGCTCCCCTT-3'
Protein context (NP_573439.2, residues 1212-1232): LISTDGDSNN[Tyr1222=]INAALTDSYT